The following is an entry in ClinVar:

NC_000002.11:g.(?_211454820)_(211455640_?)dup

Gene: CPS1 (carbamoyl-phosphate synthase 1; plus strand). Cytogenetic location: 2q34.
Variant type: Duplication.
Identifiers: ClinVar variation 1506389 (VCV001506389.5).

ClinVar aggregate classification (germline): Likely pathogenic (1 of 4 stars; one submission).

Conditions:
Congenital hyperammonemia, type I. Also called: Carbamoyl phosphate synthetase I deficiency disease; Carbamoyl-phosphate synthase I deficiency; CPS I DEFICIENCY; Carbamoyl phosphate synthetase 1 deficiency; Hyperammonemia due to carbamoyl phosphate synthetase 1 deficiency; CPS 1 deficiency. Identifiers: Orphanet 147, MedGen C4082171, MONDO:0009376, OMIM 237300.

Submission:

Labcorp Genetics (formerly Invitae), Labcorp
Classification: Likely pathogenic for Congenital hyperammonemia, type I. Last evaluated: 2022-01-19. Review status: criteria provided, single submitter. Criteria: Invitae Variant Classification Sherloc (09022015). Collection method: clinical testing. Allele origin: germline.
Comment: This variant has not been reported in the literature in individuals affected with CPS1-related conditions. This variant results in a copy number gain of the genomic region encompassing exon(s) 8-9 of the CPS1 gene. While the exact position of this variant cannot be determined from the data, sub-genic copy number gains are generally in tandem (PMID: 25640679). This variant is predicted to be out-of-frame, and may result in an absent or disrupted protein product. Loss-of-function variants in CPS1 are known to be pathogenic (PMID: 21120950). In summary, the currently available evidence indicates that the variant is pathogenic, but additional data are needed to prove that conclusively. Therefore, this variant has been classified as Likely Pathogenic.

Literature cited by the submitters: PubMed 25640679; PubMed 21120950.